The following is an entry in ClinVar:

NM_000090.4(COL3A1):c.3607G>T (p.Ala1203Ser)

Gene: COL3A1 (collagen type III alpha 1 chain; plus strand). Cytogenetic location: 2q32.2.
Variant type: single nucleotide variant.
Coding change: c.3607G>T on transcript NM_000090.4 (MANE Select); coding-DNA position 3607, G replaced by T.
Protein change: p.Ala1203Ser; replaces alanine 1203 with serine.
Molecular consequence: missense variant.
Genome position (GRCh38, 1-based): chr2:189,009,005, G>T. VCF-style: chr2-189009005-G-T. GRCh37 (hg19) VCF-style: chr2-189873731-G-T.
Other names: short protein forms A1203S.
Identifiers: ClinVar variation 3386489 (VCV003386489.1).

ClinVar aggregate classification (germline): Uncertain significance (1 of 4 stars; one submission).

Conditions:
Ehlers-Danlos syndrome, type 4 (EDSVASC). Also called: Ehlers-Danlos syndrome vascular type; Ehlers Danlos syndrome, ecchymotic type; Ehlers Danlos syndrome, arterial type; Ehlers Danlos syndrome, Sack-Barabas type; Ehlers-Danlos Syndrome Type IV. Identifiers: Orphanet 286, MedGen C0268338, MONDO:0017314, OMIM 130050.

gnomAD v4.1: 1 of 1,614,164 alleles (0.000062%); highest among the groups gnomAD compares: South Asian, 0.0011%; no homozygotes.

Submission:

All of Us Research Program, National Institutes of Health
Classification: Uncertain significance for Ehlers-Danlos syndrome, type 4. Last evaluated: 2024-08-06. Review status: criteria provided, single submitter. Criteria: ACMG Guidelines, 2015. Collection method: clinical testing. Allele origin: germline. Inheritance: Autosomal dominant inheritance. Observed: 1 variant allele, 1 heterozygote.
Comment: This study involves interpretation of variants in research participants for the purpose of population health screening. Participant phenotype was not available at the time of variant classification. Additional details can be found in publication PMID: 35346344, PMCID: PMC8962531